The following is an entry in ClinVar:

ClinVar aggregate classification (germline): Uncertain significance (1 of 4 stars; one submission).

Conditions:
Autoimmune interstitial lung disease-arthritis syndrome. Also called: Autoinflammation and autoimmunity, systemic, with immune dysregulation. Identifiers: Orphanet 444092, MedGen C5975714, MONDO:0014629.

Submission:

Labcorp Genetics (formerly Invitae), Labcorp
Classification: Uncertain significance for Autoimmune interstitial lung disease-arthritis syndrome. Last evaluated: 2023-04-07. Review status: criteria provided, single submitter. Criteria: Invitae Variant Classification Sherloc (09022015). Collection method: clinical testing. Allele origin: germline.
Comment: This sequence change replaces lysine, which is basic and polar, with asparagine, which is neutral and polar, at codon 619 of the COPA protein (p.Lys619Asn). In summary, the available evidence is currently insufficient to determine the role of this variant in disease. Therefore, it has been classified as a Variant of Uncertain Significance. Advanced modeling of protein sequence and biophysical properties (such as structural, functional, and spatial information, amino acid conservation, physicochemical variation, residue mobility, and thermodynamic stability) performed at Invitae indicates that this missense variant is not expected to disrupt COPA protein function. This variant has not been reported in the literature in individuals affected with COPA-related conditions. This variant is not present in population databases (gnomAD no frequency).

NM_004371.4(COPA):c.1857A>T (p.Lys619Asn)

Gene: COPA (coat protein complex I subunit alpha; minus strand). Cytogenetic location: 1q23.2.
Variant type: single nucleotide variant.
Coding change: c.1857A>T on transcript NM_004371.4 (MANE Select); coding-DNA position 1857, A replaced by T.
Protein change: p.Lys619Asn; replaces lysine 619 with asparagine.
Molecular consequence: missense variant.
Genome position (GRCh38, 1-based): chr1:160,298,965, T>A on the plus strand (A>T on the coding strand, the complement: COPA is on the minus strand). VCF-style: chr1-160298965-T-A. GRCh37 (hg19) VCF-style: chr1-160268755-T-A.
Other names: c.1884A>T, p.Lys628Asn (NM_001098398.2); short protein forms K628N, K619N.
Identifiers: ClinVar variation 2853353 (VCV002853353.3), dbSNP rs982913831, ClinGen allele CA343280454.